The following is an entry in ClinVar:

ClinVar aggregate classification (germline): Uncertain significance (1 of 4 stars; one submission).

Submission:

Laboratory for Molecular Medicine, Mass General Brigham Personalized Medicine
Classification: Uncertain significance. Last evaluated: 2019-05-21. Review status: criteria provided, single submitter. Criteria: LMM Criteria. Collection method: clinical testing. Allele origin: germline. Observed: 1 variant allele.
Comment: The p.Gln212AspfsX17 variant in DIABLO has not been previously reported in individuals with hearing loss, but has been identified in 0.06% (1/1558) of East Asian chromosomes by gnomAD. This variant is predicted to cause a frameshift, which alters the proteinâ€™s amino acid sequence beginning at position 212 and leads to a premature termination codon 17 amino acids downstream. However, this termination codon occurs within the last exon and is therefore likely to escape nonsense mediated decay (NMD) and result in a truncated protein. Furthermore, loss of function is not a known disease mechanism for DIABLO-related hearing loss. In summary, the clinical significance of this variant is uncertain. ACMG/AMP Criteria applied: BS1_Supporting.

NM_001371333.1(DIABLO):c.634_635del (p.Gln212fs)

Genes: B3GNT4 (UDP-GlcNAc:betaGal beta-1,3-N-acetylglucosaminyltransferase 4; plus strand), DIABLO (diablo IAP-binding mitochondrial protein; minus strand). Cytogenetic location: 12q24.31.
Variant type: Microsatellite.
Coding change: c.634_635del on transcript NM_001371333.1 (MANE Select); coding-DNA positions 634 to 635, 2 bases deleted (CA; older notation c.634_635delCA).
Protein change: p.Gln212fs; shifts the reading frame from glutamine 212.
Molecular consequence: frameshift variant. On other transcripts: 3 prime UTR variant (2).
Genome position (GRCh38, 1-based): chr12:122,208,466-122,208,467, TG deleted on the plus strand (CA on the coding strand, the reverse complement: DIABLO is on the minus strand); deleting any 2 consecutive bases within chr12:122,208,466-122,208,469 gives the same sequence; the c. name uses the placement nearest the transcript's 3' end. VCF-style (leftmost placement, unchanged base first): chr12-122208465-CTG-C. GRCh37 (hg19) VCF-style: chr12-122693012-CTG-C.
Other names: c.343_344del, p.Gln115fs (NM_001278302.1); c.415_416del, p.Gln139fs (NM_001278303.1); c.475_476del, p.Gln159fs (NM_001278304.2, NM_138930.3); c.502_503del, p.Gln168fs (NM_001278342.1); c.634_635del, p.Gln212fs (NM_019887.6); c.*1078TG[1] (NM_001330492.2, NM_030765.4); short protein forms Q115fs, Q159fs, Q139fs, Q168fs, Q212fs.
Identifiers: ClinVar variation 929895 (VCV000929895.4), dbSNP rs1430893033, ClinGen allele CA607947006.
Genomic context (GRCh38, chr12:122,208,465, plus strand): 5'-CTGCTCCGACTCAGCCCGCTCCTCCCCTTCCTCCTGTGTTTTCTGACGGAGCTCTTCTAT[CTG>C]TGCTTCTGCCAGCTTGGTTTCTGCTTTCCGGGAGAGCTGGTGCACCTCTTCCACCTGCAG-3'